The following is an entry in ClinVar:

ClinVar aggregate classification (germline): Uncertain significance. Review status: criteria provided, multiple submitters, no conflicts (2 of 4 stars). 3 submissions from 3 submitters: Uncertain significance (3). Last evaluated 2025-12-08.

Conditions:
LAMA2-related muscular dystrophy (LAMA2-RD). Also called: Laminin alpha 2-related dystrophy. Identifiers: MedGen C5679788, MONDO:0100228.

Allele frequency attached by ClinVar (database versions not stated): TOPMed below 0.00001; gnomAD 0.00001; gnomAD exomes 0.00001; ExAC 0.00002.
gnomAD v4.1: 17 of 1,611,782 alleles (0.0011%); highest among the groups gnomAD compares: South Asian, 0.0077%; no homozygotes.

Submissions (3):

Labcorp Genetics (formerly Invitae), Labcorp
Classification: Uncertain significance for LAMA2-related muscular dystrophy. Last evaluated: 2025-12-08. Review status: criteria provided, single submitter. Criteria: Invitae Variant Classification Sherloc (09022015). Collection method: clinical testing. Allele origin: germline.
Comment: This sequence change replaces arginine, which is basic and polar, with histidine, which is basic and polar, at codon 2356 of the LAMA2 protein (p.Arg2356His). This variant is present in population databases (rs761365739, gnomAD 0.006%). This variant has not been reported in the literature in individuals affected with LAMA2-related conditions. ClinVar contains an entry for this variant (Variation ID: 2417685). Invitae Evidence Modeling of protein sequence and biophysical properties (such as structural, functional, and spatial information, amino acid conservation, physicochemical variation, residue mobility, and thermodynamic stability) indicates that this missense variant is not expected to disrupt LAMA2 protein function with a negative predictive value of 95%. In summary, the available evidence is currently insufficient to determine the role of this variant in disease. Therefore, it has been classified as a Variant of Uncertain Significance.

Blueprint Genetics
Classification: Uncertain significance. Last evaluated: 2023-07-19. Review status: criteria provided, single submitter. Criteria: ACMG Guidelines, 2015. Collection method: clinical testing. Allele origin: germline.

Revvity Omics, Revvity
Classification: Uncertain significance. Last evaluated: 2019-12-26. Review status: criteria provided, single submitter. Criteria: ACMG Guidelines, 2015. Collection method: clinical testing. Allele origin: germline.

NM_000426.4(LAMA2):c.7067G>A (p.Arg2356His)

Gene: LAMA2 (laminin subunit alpha 2; plus strand). Cytogenetic location: 6q22.33.
Variant type: single nucleotide variant.
Coding change: c.7067G>A on transcript NM_000426.4 (MANE Select); coding-DNA position 7067, G replaced by A.
Protein change: p.Arg2356His; replaces arginine 2356 with histidine.
Molecular consequence: missense variant.
Genome position (GRCh38, 1-based): chr6:129,464,364, G>A. VCF-style: chr6-129464364-G-A. GRCh37 (hg19) VCF-style: chr6-129785509-G-A.
Other names: c.7067G>A, p.Arg2356His (NM_001079823.2); short protein forms R2356H.
Identifiers: ClinVar variation 2417685 (VCV002417685.10), dbSNP rs761365739, ClinGen allele CA3994431.